The following is an entry in ClinVar:

NM_015570.4(AUTS2):c.2983G>C (p.Glu995Gln)

Gene: AUTS2 (activator of transcription and developmental regulator AUTS2; plus strand). Cytogenetic location: 7q11.22.
Variant type: single nucleotide variant.
Coding change: c.2983G>C on transcript NM_015570.4 (MANE Select); coding-DNA position 2983, G replaced by C.
Protein change: p.Glu995Gln; replaces glutamic acid 995 with glutamine.
Molecular consequence: missense variant.
Genome position (GRCh38, 1-based): chr7:70,790,199, G>C. VCF-style: chr7-70790199-G-C. GRCh37 (hg19) VCF-style: chr7-70255185-G-C.
Other names: c.2911G>C, p.Glu971Gln (NM_001127231.3); short protein forms E971Q, E995Q.
Identifiers: ClinVar variation 3628363 (VCV003628363.2).
Genomic context (GRCh38, chr7:70,790,199, plus strand): 5'-AAGAAGAGCTCCGAGGTCAAGGTGAAGGAGGAGCGGAAGGAAGACCATGACCTGCCTCCA[G>C]AGGCCCCGCAGACCCACCGGGCCTCGGAGCCGCCGCCTCCCAACTCCTCGTCCAGCGTGC-3'
Protein context (NP_056385.1, residues 985-1005): ERKEDHDLPP[Glu995Gln]APQTHRASEP

ClinVar aggregate classification (germline): Uncertain significance (1 of 4 stars; one submission).

gnomAD v4.1: 21 of 1,612,598 alleles (0.0013%); highest among the groups gnomAD compares: South Asian, 0.022%; no homozygotes.

Submission:

Labcorp Genetics (formerly Invitae), Labcorp
Classification: Uncertain significance. Last evaluated: 2024-03-04. Review status: criteria provided, single submitter. Criteria: Invitae Variant Classification Sherloc (09022015). Collection method: clinical testing. Allele origin: germline.
Comment: This sequence change replaces glutamic acid, which is acidic and polar, with glutamine, which is neutral and polar, at codon 995 of the AUTS2 protein (p.Glu995Gln). This variant is present in population databases (rs775328536, gnomAD 0.02%). This variant has not been reported in the literature in individuals affected with AUTS2-related conditions. Advanced modeling of protein sequence and biophysical properties (such as structural, functional, and spatial information, amino acid conservation, physicochemical variation, residue mobility, and thermodynamic stability) performed at Invitae indicates that this missense variant is not expected to disrupt AUTS2 protein function with a negative predictive value of 80%. In summary, the available evidence is currently insufficient to determine the role of this variant in disease. Therefore, it has been classified as a Variant of Uncertain Significance.